The following is an entry in ClinVar:

ClinVar aggregate classification (germline): Likely benign (1 of 4 stars; one submission).

gnomAD v4.1: 139 of 1,614,148 alleles (0.0086%); highest among the groups gnomAD compares: Admixed American, 0.022%; no homozygotes.

Submission:

CeGaT Center for Human Genetics Tuebingen
Classification: Likely benign. Last evaluated: 2025-06-01. Review status: criteria provided, single submitter. Criteria: CeGaT Center For Human Genetics Tuebingen Variant Classification Criteria Version 2. Collection method: clinical testing. Allele origin: germline. Affected: yes. Observed: 2 variant alleles.
Comment: UNC79: BP4

NM_001395159.1(UNC79):c.6723C>G (p.Leu2241=)

Gene: UNC79 (unc-79 subunit of NALCN channel complex; plus strand). Cytogenetic location: 14q32.12.
Variant type: single nucleotide variant.
Coding change: c.6723C>G on transcript NM_001395159.1 (MANE Select); coding-DNA position 6723, C replaced by G.
Protein change: p.Leu2241=; no amino-acid change (leucine 2241 retained).
Molecular consequence: synonymous variant.
Genome position (GRCh38, 1-based): chr14:93,655,341, C>G. VCF-style: chr14-93655341-C-G. GRCh37 (hg19) VCF-style: chr14-94121687-C-G.
Other names: c.6657C>G, p.Leu2219= (NM_001346218.2); c.5976C>G, p.Leu1992= (NM_020818.5).
Identifiers: ClinVar variation 3905103 (VCV003905103.10).